The following is an entry in ClinVar:

NM_000085.5(CLCNKB):c.1309G>A (p.Gly437Arg)

Genes: CLCNKB (chloride voltage-gated channel Kb; plus strand), LOC106501713 (CLCNKB recombination region; plus strand). Cytogenetic location: 1p36.13.
Variant type: single nucleotide variant.
Coding change: c.1309G>A on transcript NM_000085.5 (MANE Select); coding-DNA position 1309, G replaced by A.
Protein change: p.Gly437Arg; replaces glycine 437 with arginine.
Molecular consequence: missense variant.
Genome position (GRCh38, 1-based): chr1:16,051,721, G>A. VCF-style: chr1-16051721-G-A. GRCh37 (hg19) VCF-style: chr1-16378216-G-A.
Other names: c.802G>A, p.Gly268Arg (NM_001165945.2); short protein forms G268R, G437R.
Identifiers: ClinVar variation 801449 (VCV000801449.14), dbSNP rs755714542, ClinGen allele CA623810.

ClinVar aggregate classification (germline): Pathogenic/Likely pathogenic. Review status: criteria provided, multiple submitters, no conflicts (2 of 4 stars). 8 submissions from 8 submitters: Pathogenic (4); Likely pathogenic (3). 1 of the submissions does not count toward it. Last evaluated 2025-11-04.

Conditions:
Bartter disease type 4B. Also called: BARTTER SYNDROME, TYPE 4B, NEONATAL, WITH SENSORINEURAL DEAFNESS; Bartter syndrome, type 4b, digenic; BARTTER SYNDROME, TYPE 4B. Identifiers: Orphanet 112, MedGen C4310805, MONDO:0000909, OMIM 613090.
Bartter disease type 3. Also called: Bartter syndrome type 3. Identifiers: Orphanet 112, Orphanet 93605, MedGen C1846343, MONDO:0011822, OMIM 607364.
Bartter syndrome. Identifiers: Orphanet 112, MedGen C0004775, MONDO:0015231.

Allele frequency attached by ClinVar (database versions not stated): gnomAD 0.00004; gnomAD exomes 0.00003; ExAC 0.00004.
gnomAD v4.1: 26 of 1,613,742 alleles (0.0016%); highest among the groups gnomAD compares: East Asian, 0.0067%; no homozygotes.

Submissions (8):

Women's Health and Genetics/Laboratory Corporation of America, LabCorp
Classification: Likely pathogenic for Bartter syndrome. Last evaluated: 2025-11-04. Review status: criteria provided, single submitter. Criteria: LabCorp Variant Classification Summary - May 2015. Collection method: clinical testing. Allele origin: germline.
Comment: Variant summary: CLCNKB c.1309G>A (p.Gly437Arg) results in a non-conservative amino acid change in the encoded protein sequence. Algorithms developed to predict the effect of missense changes on protein structure and function all suggest that this variant is likely to be disruptive. The variant allele was found at a frequency of 3.2e-05 in 251030 control chromosomes. c.1309G>A has been observed in individual(s) affected with Bartter Syndrome (example: Choi_2023, Han_2020, Lee_2012). These data indicate that the variant is likely to be associated with disease. Experimental studies have shown that this missense change affects CLCNKB function (Bignon_2020). The following publications have been ascertained in the context of this evaluation (PMID: 31803959, 36993809, 21865213, 28381550, 31834604). ClinVar contains an entry for this variant (Variation ID: 801449). Based on the evidence outlined above, the variant was classified as likely pathogenic.

Clinical Genetics Laboratory, University Hospital Schleswig-Holstein
Classification: Pathogenic for Bartter disease type 3. Last evaluated: 2025-02-17. Review status: criteria provided, single submitter. Criteria: ACMG Guidelines, 2015. Collection method: clinical testing. Allele origin: biparental. Affected: yes. Observed: 1 homozygote.
Comment: ACMG criteria applied: PM2, PS4_Moderate, PP3, PM1, PP1, PP4_Moderate

Fulgent Genetics
Classification: Likely pathogenic for Bartter disease type 3; Bartter disease type 4B. Last evaluated: 2024-04-22. Review status: criteria provided, single submitter. Criteria: ACMG Guidelines, 2015. Collection method: clinical testing. Allele origin: germline.

Labcorp Genetics (formerly Invitae), Labcorp
Classification: Pathogenic. Last evaluated: 2022-10-17. Review status: criteria provided, single submitter. Criteria: Invitae Variant Classification Sherloc (09022015). Collection method: clinical testing. Allele origin: germline.
Comment: This sequence change replaces glycine, which is neutral and non-polar, with arginine, which is basic and polar, at codon 437 of the CLCNKB protein (p.Gly437Arg). The frequency data for this variant in the population databases is considered unreliable, as metrics indicate poor data quality at this position in the gnomAD database. This missense change has been observed in individual(s) with Bartter syndrome (PMID: 21865213, 28381550, 31834604). In at least one individual the data is consistent with being in trans (on the opposite chromosome) from a pathogenic variant. ClinVar contains an entry for this variant (Variation ID: 801449). Advanced modeling of protein sequence and biophysical properties (such as structural, functional, and spatial information, amino acid conservation, physicochemical variation, residue mobility, and thermodynamic stability) performed at Invitae indicates that this missense variant is expected to disrupt CLCNKB protein function. Experimental studies have shown that this missense change affects CLCNKB function (PMID: 31803959). For these reasons, this variant has been classified as Pathogenic.

Mendelics
Classification: Pathogenic for Bartter disease type 3. Last evaluated: 2019-05-28. Review status: criteria provided, single submitter. Criteria: Mendelics Assertion Criteria 2017. Collection method: clinical testing. Allele origin: unknown.

Juno Genomics, Hangzhou Juno Genomics, Inc
Classification: Likely pathogenic for Bartter disease type 3; Bartter disease type 4B. Review status: criteria provided, single submitter. Criteria: ACMG Guidelines, 2015. Collection method: clinical testing. Allele origin: germline. Affected: yes.
Comment: Absent from controls (or at extremely low frequency if recessive) in Genome Aggregation Database, Exome Sequencing Project, 1000 Genomes Project, or Exome Aggregation Consortium.;Multiple lines of computational evidence support a deleterious effect on the gene or gene product (conservation, evolutionary, splicing impact, etc).;For recessive disorders, detected in trans with a pathogenic variant.;Patient's phenotype or family history is highly specific for a disease with a single genetic etiology.

Neuberg Centre For Genomic Medicine, NCGM
Classification: Pathogenic for Bartter disease type 3. Review status: criteria provided, single submitter. Criteria: ACMG Guidelines, 2015. Collection method: clinical testing. Allele origin: germline. Inheritance: Autosomal recessive inheritance. Affected: yes.
Comment: The missense c.1309G>Ap.Gly437Arg variant has been reported in a compound heterozygous state in individuals affected with Bartter syndrome Han Y, et. al., 2020. Experimental studies have shown that this missense change affects CLCNKB function Bignon Y,et. al., 2020. The variant is reported with an allele frequency of 0.003% in the gnomAD exomes database and is novel not in any individuals in 1000 Genomes database. This variant has been reported to the ClinVar database as Uncertain Significance / Pathogenic. The amino acid change p.Gly437Arg in CLCNKB is predicted as conserved by GERP++ and PhyloP across 100 vertebrates. The amino acid Gly at position 437 is changed to a Arg changing protein sequence and it might alter its composition and physico-chemical properties. For these reasons, this variant has been classified as Pathogenic.

Sydney Genome Diagnostics, Children's Hospital Westmead
Classification: Uncertain significance for Bartter disease type 3; Bartter disease type 4B. Last evaluated: 2018-10-24. Review status: no assertion criteria provided. Collection method: clinical testing. Allele origin: unknown. Affected: yes. Observed: 1 variant allele, 1 homozygote. Not counted in ClinVar's aggregate classification.
Comment: This variant has been previously reported in a compound heterozygous state with another CLCNKB variant in a patient with classic Bartter syndrome (type 3) (Lee et al 2011, Nephrol Dial Transplant; 0:1-6). However, no functional studies were performed on this variant. p.Gly437 is a highly conserved amino acid (up to 13 species) and there is a moderate physicochemical difference between the wild type glycine and the mutant arginine. In silico analysis (Alamutv2.6) using varies in regards to this variant; while Align GVGD and SIFT predict this variant to be tolerated, PolyPhen2 and Mutation Taster suggest that this variant is likely to be pathogenic.

Literature cited by the submitters: PubMed 21865213 (cited by Women's Health and Genetics/Laboratory Corporation of America, LabCorp and Labcorp Genetics (formerly Invitae), Labcorp); PubMed 28381550 (cited by Women's Health and Genetics/Laboratory Corporation of America, LabCorp and Labcorp Genetics (formerly Invitae), Labcorp); PubMed 36993809 (cited by Women's Health and Genetics/Laboratory Corporation of America, LabCorp); PubMed 31803959 (cited by Women's Health and Genetics/Laboratory Corporation of America, LabCorp and Labcorp Genetics (formerly Invitae), Labcorp); PubMed 31834604 (cited by Women's Health and Genetics/Laboratory Corporation of America, LabCorp and Labcorp Genetics (formerly Invitae), Labcorp).